The following is an entry in ClinVar:

ClinVar aggregate classification (germline): Pathogenic (1 of 4 stars; one submission).

gnomAD v4.1: 5 of 1,614,016 alleles (0.00031%); highest among the groups gnomAD compares: African/African-American, 0.0013%; no homozygotes.

Submission:

Labcorp Genetics (formerly Invitae), Labcorp
Classification: Pathogenic. Last evaluated: 2025-03-20. Review status: criteria provided, single submitter. Criteria: Invitae Variant Classification Sherloc (09022015). Collection method: clinical testing. Allele origin: germline.
Comment: This sequence change creates a premature translational stop signal (p.Arg2144*) in the ABCA1 gene. It is expected to result in an absent or disrupted protein product. Loss-of-function variants in ABCA1 are known to be pathogenic (PMID: 10525055, 10760292, 20880529). This variant is present in population databases (rs776238691, gnomAD 0.0009%). This premature translational stop signal has been observed in individual(s) with ABCA1-related conditions (PMID: 10533863). For these reasons, this variant has been classified as Pathogenic.

Literature cited by the submitters: PubMed 10525055; PubMed 10760292; PubMed 20880529; PubMed 10533863.

NM_005502.4(ABCA1):c.6430C>T (p.Arg2144Ter)

Genes: ABCA1 (ATP binding cassette subfamily A member 1; minus strand), NIPSNAP3B (nipsnap homolog 3B; plus strand). Cytogenetic location: 9q31.1.
Variant type: single nucleotide variant.
Coding change: c.6430C>T on transcript NM_005502.4 (MANE Select); coding-DNA position 6430, C replaced by T.
Protein change: p.Arg2144Ter; replaces arginine 2144 with a stop codon.
Molecular consequence: nonsense.
Genome position (GRCh38, 1-based): chr9:104,785,611, G>A on the plus strand (C>T on the coding strand, the complement: ABCA1 is on the minus strand). VCF-style: chr9-104785611-G-A. GRCh37 (hg19) VCF-style: chr9-107547892-G-A.
Other names: short protein forms R2144*.
Identifiers: ClinVar variation 4709684 (VCV004709684.1), dbSNP rs776238691.